The following is an entry in ClinVar:

ClinVar aggregate classification (germline): Likely benign (0 of 4 stars; one submission).

Conditions:
HOXA13-related disorder. Also called: HOXA13-related condition.

Allele frequency attached by ClinVar (database versions not stated): gnomAD 0.00001.

Submission:

PreventionGenetics, part of Exact Sciences
Classification: Likely benign for HOXA13-related condition. Last evaluated: 2024-05-15. Review status: no assertion criteria provided. Collection method: clinical testing. Allele origin: germline.
Comment: This variant is classified as likely benign based on ACMG/AMP sequence variant interpretation guidelines (Richards et al. 2015 PMID: 25741868, with internal and published modifications).

NM_000522.5(HOXA13):c.135T>G (p.Ala45=)

Genes: HOXA13 (homeobox A13; minus strand), LOC107126288 (NUP98-HOXA13 recombination region; plus strand). Cytogenetic location: 7p15.2.
Variant type: single nucleotide variant.
Coding change: c.135T>G on transcript NM_000522.5 (MANE Select); coding-DNA position 135, T replaced by G.
Protein change: p.Ala45=; no amino-acid change (alanine 45 retained).
Molecular consequence: synonymous variant.
Genome position (GRCh38, 1-based): chr7:27,199,943, A>C on the plus strand (T>G on the coding strand, the complement: HOXA13 is on the minus strand). VCF-style: chr7-27199943-A-C. GRCh37 (hg19) VCF-style: chr7-27239562-A-C.
Identifiers: ClinVar variation 3045014 (VCV003045014.2), dbSNP rs1583449164, ClinGen allele CA454513980.
Genomic context (GRCh38, chr7:27,199,943, plus strand): 5'-CGCCGCAGCCGCCGGGTGGGGGAAGCCCCCGCCCCCGGCCCCGGCAGCCGCCGCCGCTGC[A>C]GCCGCTGCTGCAGCCGCCGCCGCCCCTTCCATGTTCTTGTTGAGCTCGTCGGCCACCAGG-3'
Protein context (NP_000513.2, residues 35-55): MEGAAAAAAA[Ala45=]AAAAAAGAGG